The following is an entry in ClinVar:

NM_001023570.4(IQCB1):c.1549A>T (p.Asn517Tyr)

Gene: IQCB1 (IQ motif containing B1; minus strand). Cytogenetic location: 3q13.33.
Variant type: single nucleotide variant.
Coding change: c.1549A>T on transcript NM_001023570.4 (MANE Select); coding-DNA position 1549, A replaced by T.
Protein change: p.Asn517Tyr; replaces asparagine 517 with tyrosine.
Molecular consequence: missense variant. On other transcripts: non-coding transcript variant (1).
Genome position (GRCh38, 1-based): chr3:121,772,575, T>A on the plus strand (A>T on the coding strand, the complement: IQCB1 is on the minus strand). VCF-style: chr3-121772575-T-A. GRCh37 (hg19) VCF-style: chr3-121491422-T-A.
Other names: c.1150A>T, p.Asn384Tyr (NM_001023571.4); c.1549A>T, p.Asn517Tyr (NM_001319107.2); c.1549A>T (NM_001023570.3); short protein forms N517Y, N384Y.
Identifiers: ClinVar variation 215481 (VCV000215481.30), dbSNP rs139468837, ClinGen allele CA336283.

ClinVar aggregate classification (germline): Conflicting classifications of pathogenicity. Review status: criteria provided, conflicting classifications (1 of 4 stars). 10 submissions from 10 submitters: Uncertain significance (1); Benign (2); Likely benign (3). 4 of the submissions do not count toward it. Last evaluated 2026-07-01.

Conditions:
IQCB1-related disorder. Also called: IQCB1-related condition.
Nephronophthisis. Also called: Juvenile Nephronophthisis. Identifiers: Orphanet 655, MedGen C0687120, MONDO:0019005, HP:0000090.
Senior-Loken syndrome 5 (SLSN5). Identifiers: Orphanet 3156, MedGen C1836517, MONDO:0012225, OMIM 609254.

Allele frequency attached by ClinVar (database versions not stated): 1000 Genomes Project 30x 0.00109; TOPMed 0.00135; 1000 Genomes Project 0.00140; ESP Exome Variant Server 0.00161; ExAC 0.00217; gnomAD exomes 0.00237 and 0.00240.
gnomAD v4.1: 3,842 of 1,614,226 alleles (0.24%); highest among the groups gnomAD compares: Non-Finnish European, 0.23%; 15 homozygotes.

Submissions (10):

CeGaT Center for Human Genetics Tuebingen
Classification: Likely benign. Last evaluated: 2026-07-01. Review status: criteria provided, single submitter. Criteria: CeGaT Center For Human Genetics Tuebingen Variant Classification Criteria Version 2. Collection method: clinical testing. Allele origin: germline. Affected: yes. Observed: 1 variant allele.
Comment: IQCB1: BS2

Labcorp Genetics (formerly Invitae), Labcorp
Classification: Benign for Nephronophthisis. Last evaluated: 2026-02-02. Review status: criteria provided, single submitter. Criteria: Invitae Variant Classification Sherloc (09022015). Collection method: clinical testing. Allele origin: germline.

GeneDx
Classification: Likely benign. Last evaluated: 2021-01-10. Review status: criteria provided, single submitter. Criteria: GeneDx Variant Classification Process June 2021. Collection method: clinical testing. Allele origin: germline. Affected: yes.

Illumina Laboratory Services, Illumina
Classification: Uncertain significance for Senior-Loken syndrome 5. Last evaluated: 2018-01-12. Review status: criteria provided, single submitter. Criteria: ICSL Variant Classification Criteria 13 December 2019. Collection method: clinical testing. Allele origin: germline.

Genetic Services Laboratory, University of Chicago
Classification: Likely benign. Last evaluated: 2016-06-30. Review status: criteria provided, single submitter. Criteria: ACMG Guidelines, 2015. Collection method: clinical testing. Allele origin: germline. Affected: no.

Eurofins Ntd Llc (ga)
Classification: Benign. Last evaluated: 2015-10-20. Review status: criteria provided, single submitter. Criteria: EGL Classification Definitions 2015. Collection method: clinical testing. Allele origin: germline. Observed: 1 variant allele, 1 heterozygote.

PreventionGenetics, part of Exact Sciences
Classification: Benign for IQCB1-related condition. Last evaluated: 2019-08-02. Review status: no assertion criteria provided. Collection method: clinical testing. Allele origin: germline. Not counted in ClinVar's aggregate classification.
Comment: This variant is classified as benign based on ACMG/AMP sequence variant interpretation guidelines (Richards et al. 2015 PMID: 25741868, with internal and published modifications).

Clinical Genetics DNA and cytogenetics Diagnostics Lab, Erasmus MC, Erasmus Medical Center
Classification: Likely benign. Review status: no assertion criteria provided. Collection method: clinical testing. Allele origin: germline. Affected: yes. Study: VKGL Data-share Consensus. Not counted in ClinVar's aggregate classification.

Clinical Genetics, Academic Medical Center
Classification: Likely benign. Review status: no assertion criteria provided. Collection method: clinical testing. Allele origin: germline. Affected: yes. Study: VKGL Data-share Consensus. Not counted in ClinVar's aggregate classification.

Genome Diagnostics Laboratory, University Medical Center Utrecht
Classification: Likely benign. Review status: no assertion criteria provided. Collection method: clinical testing. Allele origin: germline. Affected: yes. Study: VKGL Data-share Consensus. Not counted in ClinVar's aggregate classification.